The following is an entry in ClinVar:

ClinVar aggregate classification (germline): Uncertain significance (1 of 4 stars; one submission).

gnomAD v4.1: 40 of 1,525,328 alleles (0.0026%); highest among the groups gnomAD compares: Middle Eastern, 0.018%; no homozygotes.

Submission:

Dasa
Classification: Uncertain significance. Last evaluated: 2025-05-26. Review status: criteria provided, single submitter. Criteria: DASA Assertion Criteria. Collection method: clinical testing. Allele origin: germline.
Comment: NM_003086.4(SNAPC4):c.4246G>A (p.Gly1416Arg) is a missense variant that results in the substitution of glycine with arginine. This variant is rare in population databases. Computational prediction algorithms are consistent with a benign effect. The currently available literature and clinical evidence are not sufficient to establish a definitive association between this variant and the reported condition. Therefore, this variant is classified as a variant of uncertain significance.

NM_003086.4(SNAPC4):c.4246G>A (p.Gly1416Arg)

Gene: SNAPC4 (small nuclear RNA activating complex polypeptide 4; minus strand). Cytogenetic location: 9q34.3.
Variant type: single nucleotide variant.
Coding change: c.4246G>A on transcript NM_003086.4 (MANE Select); coding-DNA position 4246, G replaced by A.
Protein change: p.Gly1416Arg; replaces glycine 1416 with arginine.
Molecular consequence: missense variant.
Genome position (GRCh38, 1-based): chr9:136,377,581, C>T on the plus strand (G>A on the coding strand, the complement: SNAPC4 is on the minus strand). VCF-style: chr9-136377581-C-T. GRCh37 (hg19) VCF-style: chr9-139272033-C-T.
Other names: c.4246G>A, p.Gly1416Arg (NM_001394201.1); c.4162G>A, p.Gly1388Arg (NM_001394202.1, NM_001394203.1); short protein forms G1388R, G1416R.
Identifiers: ClinVar variation 5020950 (VCV005020950.1).